The following is an entry in ClinVar:

ClinVar aggregate classification (germline): Likely benign. Review status: criteria provided, single submitter (1 of 4 stars). 2 submissions from 2 submitters: Likely benign (1). 1 of the submissions does not count toward it. Last evaluated 2022-12-15.

Conditions:
ACOX1-related disorder. Also called: ACOX1-related condition; ACOX1-related disorders.

Submissions (2):

Blueprint Genetics
Classification: Likely benign. Last evaluated: 2022-12-15. Review status: criteria provided, single submitter. Criteria: ACMG Guidelines, 2015. Collection method: clinical testing. Allele origin: germline.

PreventionGenetics, part of Exact Sciences
Classification: Likely benign for ACOX1-related condition. Last evaluated: 2023-11-30. Review status: no assertion criteria provided. Collection method: clinical testing. Allele origin: germline. Not counted in ClinVar's aggregate classification.
Comment: This variant is classified as likely benign based on ACMG/AMP sequence variant interpretation guidelines (Richards et al. 2015 PMID: 25741868, with internal and published modifications).

NM_004035.7(ACOX1):c.269+4737_269+4741del

Gene: ACOX1 (acyl-CoA oxidase 1; minus strand). Cytogenetic location: 17q25.1.
Variant type: Microsatellite.
Coding change: c.269+4737_269+4741del on transcript NM_004035.7 (MANE Select); bases 4737 to 4741 of the intron after coding-DNA position 269, 5 bases deleted (TCTCT; older notation c.269+4737_269+4741delTCTCT).
Molecular consequence: intron variant.
Genome position (GRCh38, 1-based): chr17:75,973,793-75,973,797, AGAGA deleted on the plus strand (TCTCT on the coding strand, the reverse complement: ACOX1 is on the minus strand); deleting any 5 consecutive bases within chr17:75,973,793-75,973,803 gives the same sequence; the c. name uses the placement nearest the transcript's 3' end. VCF-style (leftmost placement, unchanged base first): chr17-75973792-GAGAGA-G. GRCh37 (hg19) VCF-style: chr17-73969873-GAGAGA-G.
Other names: c.270-12_270-8del (NM_007292.6); c.155+4737_155+4741del (NM_001185039.2).
Identifiers: ClinVar variation 3047678 (VCV003047678.3), dbSNP rs759124978, ClinGen allele CA8777097.
Genomic context (GRCh38, chr17:75,973,792, plus strand): 5'-ATAAACATGGAGTAATTGAGGCCCACAGGTTCCACAAAATTGACCAAATGTAGTCTACAG[GAGAGA>G]AGAGAAAAGGATCTCAGCCTTCCTTTAGAAACTGCATCCTACAACCCCTTCTTGCCAAAC-3'